The following is an entry in ClinVar:

NM_001849.4(COL6A2):c.2418C>A (p.Cys806Ter)

Gene: COL6A2 (collagen type VI alpha 2 chain; plus strand). Cytogenetic location: 21q22.3.
Variant type: single nucleotide variant.
Coding change: c.2418C>A on transcript NM_001849.4 (MANE Select); coding-DNA position 2418, C replaced by A.
Protein change: p.Cys806Ter; replaces cysteine 806 with a stop codon.
Molecular consequence: nonsense.
Genome position (GRCh38, 1-based): chr21:46,126,233, C>A. VCF-style: chr21-46126233-C-A. GRCh37 (hg19) VCF-style: chr21-47546147-C-A.
Other names: c.2418C>A, p.Cys806Ter (NM_058174.3, NM_058175.3); short protein forms C806*.
Identifiers: ClinVar variation 1993997 (VCV001993997.4), dbSNP rs2517018842, ClinGen allele CA410543228.

ClinVar aggregate classification (germline): Pathogenic (1 of 4 stars; one submission).

Conditions:
Bethlem myopathy 1A. Also called: MYOPATHY, BENIGN CONGENITAL, WITH CONTRACTURES; Bethlem myopathy 1; Bethlem Muscular Dystrophy. Identifiers: Orphanet 610, MedGen CN029274, MONDO:0024530, OMIM 158810.

Submission:

Labcorp Genetics (formerly Invitae), Labcorp
Classification: Pathogenic for Bethlem myopathy 1A. Last evaluated: 2022-11-22. Review status: criteria provided, single submitter. Criteria: Invitae Variant Classification Sherloc (09022015). Collection method: clinical testing. Allele origin: germline.
Comment: This variant disrupts a region of the COL6A2 protein in which other variant(s) (p.Tyr1002*) have been determined to be pathogenic (PMID: 29419890). This suggests that this is a clinically significant region of the protein, and that variants that disrupt it are likely to be disease-causing. This variant has not been reported in the literature in individuals affected with COL6A2-related conditions. This variant is not present in population databases (gnomAD no frequency). This sequence change creates a premature translational stop signal (p.Cys806*) in the COL6A2 gene. While this is not anticipated to result in nonsense mediated decay, it is expected to disrupt the last 214 amino acid(s) of the COL6A2 protein. For these reasons, this variant has been classified as Pathogenic.

Literature cited by the submitters: PubMed 29419890.